The following is an entry in ClinVar:

ClinVar aggregate classification (germline): Uncertain significance (1 of 4 stars; one submission).

Conditions:
Dystonic disorder. Also called: Dystonia. Identifiers: MedGen C0013421, MONDO:0003441, HP:0001332.

Allele frequency attached by ClinVar (database versions not stated): TOPMed 0.00002.
gnomAD v4.1: 43 of 1,613,566 alleles (0.0027%); highest among the groups gnomAD compares: East Asian, 0.011%; no homozygotes.

Submission:

Labcorp Genetics (formerly Invitae), Labcorp
Classification: Uncertain significance for Dystonic disorder. Last evaluated: 2023-01-23. Review status: criteria provided, single submitter. Criteria: Invitae Variant Classification Sherloc (09022015). Collection method: clinical testing. Allele origin: germline.
Comment: In summary, the available evidence is currently insufficient to determine the role of this variant in disease. Therefore, it has been classified as a Variant of Uncertain Significance. Advanced modeling of protein sequence and biophysical properties (such as structural, functional, and spatial information, amino acid conservation, physicochemical variation, residue mobility, and thermodynamic stability) performed at Invitae indicates that this missense variant is not expected to disrupt GNAL protein function. This missense change has been observed in individual(s) with dystonia (PMID: 24500857). This variant is present in population databases (rs773047497, gnomAD 0.003%). This sequence change replaces valine, which is neutral and non-polar, with isoleucine, which is neutral and non-polar, at codon 172 of the GNAL protein (p.Val172Ile).

Literature cited by the submitters: PubMed 24500857.

NM_182978.4(GNAL):c.745G>A (p.Val249Ile)

Gene: GNAL (G protein subunit alpha L; plus strand). Cytogenetic location: 18p11.21.
Variant type: single nucleotide variant.
Coding change: c.745G>A on transcript NM_182978.4 (MANE Select); coding-DNA position 745, G replaced by A.
Protein change: p.Val249Ile; replaces valine 249 with isoleucine.
Molecular consequence: missense variant. On other transcripts: 5 prime UTR variant (1).
Genome position (GRCh38, 1-based): chr18:11,862,417, G>A. VCF-style: chr18-11862417-G-A. GRCh37 (hg19) VCF-style: chr18-11862416-G-A.
Other names: c.514G>A, p.Val172Ile (NM_001142339.3, NM_001261443.2, NM_001369387.1); c.-108G>A (NM_001261444.2); short protein forms V249I, V172I.
Identifiers: ClinVar variation 2145122 (VCV002145122.4), dbSNP rs773047497, ClinGen allele CA8894119.